The following is an entry in ClinVar:

NM_001368894.2(PAX6):c.117G>C (p.Pro39=)

Gene: PAX6 (paired box 6; minus strand). Cytogenetic location: 11p13.
Variant type: single nucleotide variant.
Coding change: c.117G>C on transcript NM_001368894.2 (MANE Select); coding-DNA position 117, G replaced by C.
Protein change: p.Pro39=; no amino-acid change (proline 39 retained).
Molecular consequence: synonymous variant. On other transcripts: 5 prime UTR variant (12), non-coding transcript variant (2), intron variant (2).
Genome position (GRCh38, 1-based): chr11:31,802,728, C>G on the plus strand (G>C on the coding strand, the complement: PAX6 is on the minus strand). VCF-style: chr11-31802728-C-G. GRCh37 (hg19) VCF-style: chr11-31824276-C-G.
Other names: c.117G>C, p.Pro39= (NM_000280.6, NM_001127612.3, NM_001258464.2 and 30 more transcripts); c.-665G>C (NM_001310160.2, NM_001368905.2); c.-334G>C (NM_001310161.3, NM_001368900.2, NM_001368903.2 and 2 more transcripts); c.-292G>C (NM_001368899.2, NM_001368901.2, NM_001368906.2 and 1 more transcripts); c.-623G>C (NM_001368902.2); c.360G>C, p.Pro120= (NM_001368910.2); c.120G>C, p.Pro40= (NM_001368911.2); c.-267-952G>C (NM_001368909.2, NM_001368904.2).
Identifiers: ClinVar variation 1137461 (VCV001137461.11), dbSNP rs919486001, ClinGen allele CA473559972.

ClinVar aggregate classification (germline): Conflicting classifications of pathogenicity. Review status: criteria provided, conflicting classifications (1 of 4 stars). 2 submissions from 2 submitters: Pathogenic (1); Likely benign (1). Last evaluated 2025-05-13.

Conditions:
Aniridia 1 (AN1). Identifiers: Orphanet 250923, MedGen C0344542, MONDO:0024507, OMIM 106210.
Irido-corneo-trabecular dysgenesis (ASGD5). Also called: ANTERIOR SEGMENT DYSGENESIS 5. Identifiers: Orphanet 708, MedGen C0344559, MONDO:0011414, OMIM 604229, HP:0000659.

Submissions (2):

Labcorp Genetics (formerly Invitae), Labcorp
Classification: Pathogenic for Aniridia 1; Irido-corneo-trabecular dysgenesis. Last evaluated: 2025-05-13. Review status: criteria provided, single submitter. Criteria: Invitae Variant Classification Sherloc (09022015). Collection method: clinical testing. Allele origin: germline.
Comment: This sequence change affects codon 39 of the PAX6 mRNA. It is a 'silent' change, meaning that it does not change the encoded amino acid sequence of the PAX6 protein. This variant is not present in population databases (gnomAD no frequency). This variant has been observed in individual(s) with aniridia (internal data). Invitae Evidence Modeling of clinical and family history, age, sex, and reported ancestry of multiple individuals with this PAX6 variant has been performed. This variant is expected to be pathogenic with a positive predictive value of at least 99%. This is a validated machine learning model that incorporates the clinical features of 11,666 individuals referred to our laboratory for PAX6 testing. ClinVar contains an entry for this variant (Variation ID: 1137461). Algorithms developed to predict the effect of sequence changes on RNA splicing suggest that this variant is not likely to affect RNA splicing. For these reasons, this variant has been classified as Pathogenic.

GeneDx
Classification: Likely benign. Last evaluated: 2021-06-16. Review status: criteria provided, single submitter. Criteria: GeneDx Variant Classification Process June 2021. Collection method: clinical testing. Allele origin: germline. Affected: yes.